The following is an entry in ClinVar:

ClinVar aggregate classification (germline): Uncertain significance. Review status: criteria provided, multiple submitters, no conflicts (2 of 4 stars). 2 submissions from 2 submitters: Uncertain significance (2). Last evaluated 2026-05-21.

Conditions:
Immunodeficiency, common variable, 10. Also called: DEFICIT IN ANTERIOR PITUITARY FUNCTION AND VARIABLE IMMUNODEFICIENCY; IMMUNODEFICIENCY, COMMON VARIABLE, WITH CENTRAL ADRENAL INSUFFICIENCY. Identifiers: MedGen C3809991, MONDO:0014260, OMIM 615577.
NFKB2-related disorder. Also called: NFKB2-related condition.

Allele frequency attached by ClinVar (database versions not stated): gnomAD exomes below 0.00001.
gnomAD v4.1: 2 of 1,558,698 alleles (0.00013%); highest among the groups gnomAD compares: East Asian, 0.0023%; no homozygotes.

Submissions (2):

PreventionGenetics, part of Exact Sciences
Classification: Uncertain significance for NFKB2-related condition. Last evaluated: 2026-05-21. Review status: criteria provided, single submitter. Criteria: ACMG Guidelines, 2015. Collection method: clinical testing. Allele origin: germline.
Comment: The NFKB2 c.1192T>C variant is predicted to result in the amino acid substitution p.Tyr398His. To our knowledge, this variant has not been reported in the literature or in a large population database (gnomAD), indicating this variant is rare. At this time, the clinical significance of this variant is uncertain due to the absence of conclusive functional and genetic evidence.

Labcorp Genetics (formerly Invitae), Labcorp
Classification: Uncertain significance for Immunodeficiency, common variable, 10. Last evaluated: 2023-02-26. Review status: criteria provided, single submitter. Criteria: Invitae Variant Classification Sherloc (09022015). Collection method: clinical testing. Allele origin: germline.
Comment: In summary, the available evidence is currently insufficient to determine the role of this variant in disease. Therefore, it has been classified as a Variant of Uncertain Significance. An algorithm developed to predict the effect of missense changes on protein structure and function (PolyPhen-2) suggests that this variant is likely to be disruptive. This variant has not been reported in the literature in individuals affected with NFKB2-related conditions. This variant is not present in population databases (gnomAD no frequency). This sequence change replaces tyrosine, which is neutral and polar, with histidine, which is basic and polar, at codon 398 of the NFKB2 protein (p.Tyr398His).

NM_001322934.2(NFKB2):c.1192T>C (p.Tyr398His)

Genes: NFKB2 (nuclear factor kappa B subunit 2; plus strand), LOC130004599 (ATAC-STARR-seq lymphoblastoid silent region 2756; plus strand). Cytogenetic location: 10q24.32.
Variant type: single nucleotide variant.
Coding change: c.1192T>C on transcript NM_001322934.2 (MANE Select); coding-DNA position 1192, T replaced by C.
Protein change: p.Tyr398His; replaces tyrosine 398 with histidine.
Molecular consequence: missense variant.
Genome position (GRCh38, 1-based): chr10:102,399,362, T>C. VCF-style: chr10-102399362-T-C. GRCh37 (hg19) VCF-style: chr10-104159119-T-C.
Other names: c.1192T>C, p.Tyr398His (NM_001077493.1, NM_001077494.3, NM_001261403.3 and 2 more transcripts); c.1066T>C, p.Tyr356His (NM_001322935.1); short protein forms Y398H, Y356H.
Identifiers: ClinVar variation 2975170 (VCV002975170.4), dbSNP rs1589864870, ClinGen allele CA377898839.